The following is an entry in ClinVar:

ClinVar aggregate classification (germline): Uncertain significance. Review status: criteria provided, multiple submitters, no conflicts (2 of 4 stars). 3 submissions from 3 submitters: Uncertain significance (3). Last evaluated 2024-11-21.

Conditions:
Hereditary cancer-predisposing syndrome. Also called: Neoplastic Syndromes, Hereditary; Tumor predisposition; Hereditary Cancer Syndrome; Hereditary neoplastic syndrome. Identifiers: Orphanet 140162, MedGen C0027672, MeSH D009386, MONDO:0015356.
Cardiovascular phenotype. Identifiers: MedGen CN230736.
LZTR1-related schwannomatosis. Also called: Schwannomatosis 2; Schwannomatosis-2, susceptibility to. Identifiers: Orphanet 93921, MedGen C3810283, MONDO:0014299, OMIM 615670.

Submissions (3):

Ambry Genetics
Classification: Uncertain significance for Cardiovascular phenotype; Hereditary cancer-predisposing syndrome. Last evaluated: 2024-11-21. Review status: criteria provided, single submitter. Criteria: Ambry Variant Classification Scheme 2023. Collection method: clinical testing. Allele origin: germline.
Comment: The p.P115S variant (also known as c.343C>T), located in coding exon 4 of the LZTR1 gene, results from a C to T substitution at nucleotide position 343. The proline at codon 115 is replaced by serine, an amino acid with similar properties. This amino acid position is highly conserved in available vertebrate species. In addition, this alteration is predicted to be deleterious by in silico analysis. Based on the available evidence, the clinical significance of this variant remains unclear.

Labcorp Genetics (formerly Invitae), Labcorp
Classification: Uncertain significance. Last evaluated: 2024-10-01. Review status: criteria provided, single submitter. Criteria: Invitae Variant Classification Sherloc (09022015). Collection method: clinical testing. Allele origin: germline.
Comment: This sequence change replaces proline, which is neutral and non-polar, with serine, which is neutral and polar, at codon 115 of the LZTR1 protein (p.Pro115Ser). This variant is not present in population databases (gnomAD no frequency). This variant has not been reported in the literature in individuals affected with LZTR1-related conditions. ClinVar contains an entry for this variant (Variation ID: 1731450). Invitae Evidence Modeling of protein sequence and biophysical properties (such as structural, functional, and spatial information, amino acid conservation, physicochemical variation, residue mobility, and thermodynamic stability) indicates that this missense variant is not expected to disrupt LZTR1 protein function with a negative predictive value of 80%. In summary, the available evidence is currently insufficient to determine the role of this variant in disease. Therefore, it has been classified as a Variant of Uncertain Significance.

Baylor Genetics
Classification: Uncertain significance for LZTR1-related schwannomatosis. Last evaluated: 2023-11-11. Review status: criteria provided, single submitter. Criteria: ACMG Guidelines, 2015. Collection method: clinical testing. Allele origin: unknown.

NM_006767.4(LZTR1):c.343C>T (p.Pro115Ser)

Gene: LZTR1 (leucine zipper like post translational regulator 1; plus strand). Cytogenetic location: 22q11.21.
Variant type: single nucleotide variant.
Coding change: c.343C>T on transcript NM_006767.4 (MANE Select); coding-DNA position 343, C replaced by T.
Protein change: p.Pro115Ser; replaces proline 115 with serine.
Molecular consequence: missense variant.
Genome position (GRCh38, 1-based): chr22:20,987,526, C>T. VCF-style: chr22-20987526-C-T. GRCh37 (hg19) VCF-style: chr22-21341815-C-T.
Other names: short protein forms P115S.
Identifiers: ClinVar variation 1731450 (VCV001731450.6), dbSNP rs1370668324, ClinGen allele CA410779290.
Genomic context (GRCh38, chr22:20,987,526, plus strand): 5'-ACCCCCGCTGACTCTCACCACCCCTGTGCCCACCCCAGGGCCTTTACCACTGGGACCCCA[C>T]CGGCCCCCCGTTACCACCACTCGGCCGTCGTCTATGGGAGCAGCATGTTTGTCTTTGGTA-3'
Protein context (NP_006758.2, residues 105-125): WCRAFTTGTP[Pro115Ser]APRYHHSAVV